The following is an entry in ClinVar:

NM_001130009.3(GEN1):c.1622A>G (p.Gln541Arg)

Gene: GEN1 (GEN1 structure-specific endonuclease; plus strand). Cytogenetic location: 2p24.2.
Variant type: single nucleotide variant.
Coding change: c.1622A>G on transcript NM_001130009.3 (MANE Select); coding-DNA position 1622, A replaced by G.
Protein change: p.Gln541Arg; replaces glutamine 541 with arginine.
Molecular consequence: missense variant.
Genome position (GRCh38, 1-based): chr2:17,780,834, A>G. VCF-style: chr2-17780834-A-G. GRCh37 (hg19) VCF-style: chr2-17962101-A-G.
Other names: c.1622A>G, p.Gln541Arg (NM_182625.5); short protein forms Q541R.
Identifiers: ClinVar variation 4671473 (VCV004671473.1).
Genomic context (GRCh38, chr2:17,780,834, plus strand): 5'-CTATTTCTGCCTCATTGAATAGCTTGCTTTTACCTAAAAATACTCCATGTTTGAATGCAC[A>G]AGAACAGTTCATGTCTTCTCTAAGACCTTTGGCTATACAGCAAATTAAAGCTGTCAGTAA-3'
Protein context (NP_001123481.3, residues 531-551): LPKNTPCLNA[Gln541Arg]EQFMSSLRPL

ClinVar aggregate classification (germline): Uncertain significance (1 of 4 stars; one submission).

Submission:

Ambry Genetics
Classification: Uncertain significance. Last evaluated: 2025-10-16. Review status: criteria provided, single submitter. Criteria: Ambry Variant Classification Scheme 2023. Collection method: clinical testing. Allele origin: germline.
Comment: The p.Q541R variant (also known as c.1622A>G), located in coding exon 13 of the GEN1 gene, results from an A to G substitution at nucleotide position 1622. The glutamine at codon 541 is replaced by arginine, an amino acid with highly similar properties. This amino acid position is conserved. In addition, this alteration is predicted to be tolerated by in silico analysis. Based on the available evidence, the clinical significance of this variant remains unclear.